The following is an entry in ClinVar:

NM_001378120.1(MBD5):c.19T>C (p.Cys7Arg)

Gene: MBD5 (methyl-CpG binding domain protein 5; plus strand). Cytogenetic location: 2q23.1.
Variant type: single nucleotide variant.
Coding change: c.19T>C on transcript NM_001378120.1 (MANE Select); coding-DNA position 19, T replaced by C.
Protein change: p.Cys7Arg; replaces cysteine 7 with arginine.
Molecular consequence: missense variant.
Genome position (GRCh38, 1-based): chr2:148,458,777, T>C. VCF-style: chr2-148458777-T-C. GRCh37 (hg19) VCF-style: chr2-149216346-T-C.
Other names: c.19T>C, p.Cys7Arg (NM_018328.5); short protein forms C7R.
Identifiers: ClinVar variation 662420 (VCV000662420.12), dbSNP rs766104877, ClinGen allele CA57565191.
Genomic context (GRCh38, chr2:148,458,777, plus strand): 5'-TTATTGCTGATATCTTTGGAGAGTCCCTAGCAGACACAGAAAATGAATGGAGGCAAAGAG[T>C]GTGACGGAGGGGACAAGGAAGGAGGTCTTCCAGCTATACAAGTTCCTGTGGGTTGGCAGC-3'
Protein context (NP_001365049.1, residues 1-17): MNGGKE[Cys7Arg]DGGDKEGGLP

ClinVar aggregate classification (germline): Uncertain significance. Review status: criteria provided, multiple submitters, no conflicts (2 of 4 stars). 3 submissions from 3 submitters: Uncertain significance (3). Last evaluated 2025-04-24.

Conditions:
Intellectual developmental disorder, autosomal dominant 1. Also called: Intellectual disability, autosomal dominant 1; MBD5 Haploinsufficiency. Identifiers: Orphanet 228402, MedGen C1969562, MONDO:0007974, OMIM 156200.

Submissions (3):

Women's Health and Genetics/Laboratory Corporation of America, LabCorp
Classification: Uncertain significance. Last evaluated: 2025-04-24. Review status: criteria provided, single submitter. Criteria: LabCorp Variant Classification Summary - May 2015. Collection method: clinical testing. Allele origin: germline.
Comment: Variant summary: MBD5 c.19T>C (p.Cys7Arg) results in a non-conservative amino acid change in the encoded protein sequence. Two of four in-silico tools predict a benign effect of the variant on protein function. The variant was absent in 251152 control chromosomes. The available data on variant occurrences in the general population are insufficient to allow any conclusion about variant significance. To our knowledge, no occurrence of c.19T>C in individuals affected with MBD5 Associated Neurodevelopmental Disorder and no experimental evidence demonstrating its impact on protein function have been reported. ClinVar contains an entry for this variant (Variation ID: 662420). Based on the evidence outlined above, the variant was classified as uncertain significance.

GeneDx
Classification: Uncertain significance. Last evaluated: 2022-12-29. Review status: criteria provided, single submitter. Criteria: GeneDx Variant Classification Process June 2021. Collection method: clinical testing. Allele origin: germline. Affected: yes.
Comment: Not observed at significant frequency in large population cohorts (gnomAD); In silico analysis supports that this missense variant does not alter protein structure/function; Has not been previously published as pathogenic or benign to our knowledge

Labcorp Genetics (formerly Invitae), Labcorp
Classification: Uncertain significance for Intellectual developmental disorder, autosomal dominant 1. Last evaluated: 2018-11-28. Review status: criteria provided, single submitter. Criteria: Invitae Variant Classification Sherloc (09022015). Collection method: clinical testing. Allele origin: germline.
Comment: In summary, the available evidence is currently insufficient to determine the role of this variant in disease. Therefore, it has been classified as a Variant of Uncertain Significance. This variant has not been reported in the literature in individuals with MBD5-related conditions. This sequence change replaces cysteine with arginine at codon 7 of the MBD5 protein (p.Cys7Arg). The cysteine residue is highly conserved and there is a large physicochemical difference between cysteine and arginine. This variant is not present in population databases (ExAC no frequency).